The following is an entry in ClinVar:

NM_001165963.4(SCN1A):c.3430-7C>A

Genes: SCN1A (sodium voltage-gated channel alpha subunit 1; minus strand), LOC102724058 (uncharacterized LOC102724058; plus strand). Cytogenetic location: 2q24.3.
Variant type: single nucleotide variant.
Coding change: c.3430-7C>A on transcript NM_001165963.4 (MANE Select); 7 bases into the intron before coding-DNA position 3430, C replaced by A.
Molecular consequence: intron variant.
Genome position (GRCh38, 1-based): chr2:166,015,734, G>T on the plus strand (C>A on the coding strand, the complement: SCN1A is on the minus strand). VCF-style: chr2-166015734-G-T. GRCh37 (hg19) VCF-style: chr2-166872244-G-T.
Other names: c.3397-7C>A (NM_001353952.2, NM_006920.6, NM_001353949.2 and 2 more transcripts); c.988-7C>A (NM_001353961.2); c.3346-7C>A (NM_001353958.2, NM_001353957.2, NM_001165964.3); c.3430-7C>A (NM_001202435.3, NM_001353948.2); c.3394-7C>A (NM_001353955.2, NM_001353954.2); c.3343-7C>A (NM_001353960.2).
Identifiers: ClinVar variation 379534 (VCV000379534.10), dbSNP rs975085305, ClinGen allele CA16604034.

ClinVar aggregate classification (germline): Likely benign. Review status: criteria provided, multiple submitters, no conflicts (2 of 4 stars). 2 submissions from 2 submitters: Likely benign (2). Last evaluated 2024-08-13.

Conditions:
Early-infantile DEE. Also called: Ohtahara syndrome; Early infantile epileptic encephalopathy with suppression bursts; Early infantile epileptic encephalopathy. Identifiers: Orphanet 1934, MedGen C0393706, MONDO:0800491.

Allele frequency attached by ClinVar (database versions not stated): gnomAD exomes below 0.00001; TOPMed below 0.00001.
gnomAD v4.1: 6 of 1,612,488 alleles (0.00037%); highest among the groups gnomAD compares: Non-Finnish European, 0.00034%; no homozygotes.

Submissions (2):

Labcorp Genetics (formerly Invitae), Labcorp
Classification: Likely benign for Early-infantile DEE. Last evaluated: 2024-08-13. Review status: criteria provided, single submitter. Criteria: Invitae Variant Classification Sherloc (09022015). Collection method: clinical testing. Allele origin: germline.

GeneDx
Classification: Likely benign. Last evaluated: 2017-01-16. Review status: criteria provided, single submitter. Criteria: GeneDx Variant Classification (06012015). Collection method: clinical testing. Allele origin: germline. Affected: yes.
Comment: This variant is considered likely benign or benign based on one or more of the following criteria: it is a conservative change, it occurs at a poorly conserved position in the protein, it is predicted to be benign by multiple in silico algorithms, and/or has population frequency not consistent with disease.